The following is an entry in ClinVar:

NM_006231.4(POLE):c.4567A>T (p.Met1523Leu)

Gene: POLE (DNA polymerase epsilon, catalytic subunit; minus strand). Cytogenetic location: 12q24.33.
Variant type: single nucleotide variant.
Coding change: c.4567A>T on transcript NM_006231.4 (MANE Select); coding-DNA position 4567, A replaced by T.
Protein change: p.Met1523Leu; replaces methionine 1523 with leucine.
Molecular consequence: missense variant.
Genome position (GRCh38, 1-based): chr12:132,642,981, T>A on the plus strand (A>T on the coding strand, the complement: POLE is on the minus strand). VCF-style: chr12-132642981-T-A. GRCh37 (hg19) VCF-style: chr12-133219567-T-A.
Other names: short protein forms M1523L.
Identifiers: ClinVar variation 1512581 (VCV001512581.8), dbSNP rs1209633210, ClinGen allele CA387379324.
Genomic context (GRCh38, chr12:132,642,981, plus strand): 5'-GGCCCACCTTCTCCAGGAGGAGGCCGTGCTCTGCTGAGTACAGGGCGCCAAGGCTGGGCA[T>A]CTGGTTGCTGCGCACCTAGACCAACGCAGGCCACGTCAGCCTCCCCCTGCGCAGGAGGAA-3'
Protein context (NP_006222.2, residues 1513-1533): FVLDTVRSNQ[Met1523Leu]PSLGALYSAE

ClinVar aggregate classification (germline): Uncertain significance (1 of 4 stars; one submission).

Submission:

Labcorp Genetics (formerly Invitae), Labcorp
Classification: Uncertain significance. Last evaluated: 2022-08-19. Review status: criteria provided, single submitter. Criteria: Invitae Variant Classification Sherloc (09022015). Collection method: clinical testing. Allele origin: germline.
Comment: This sequence change replaces methionine, which is neutral and non-polar, with leucine, which is neutral and non-polar, at codon 1523 of the POLE protein (p.Met1523Leu). This variant is not present in population databases (gnomAD no frequency). This variant has not been reported in the literature in individuals affected with POLE-related conditions. ClinVar contains an entry for this variant (Variation ID: 1512581). Algorithms developed to predict the effect of missense changes on protein structure and function (SIFT, PolyPhen-2, Align-GVGD) all suggest that this variant is likely to be tolerated. In summary, the available evidence is currently insufficient to determine the role of this variant in disease. Therefore, it has been classified as a Variant of Uncertain Significance.